The following is an entry in ClinVar:

NM_006231.4(POLE):c.3025G>C (p.Val1009Leu)

Gene: POLE (DNA polymerase epsilon, catalytic subunit; minus strand). Cytogenetic location: 12q24.33.
Variant type: single nucleotide variant.
Coding change: c.3025G>C on transcript NM_006231.4 (MANE Select); coding-DNA position 3025, G replaced by C.
Protein change: p.Val1009Leu; replaces valine 1009 with leucine.
Molecular consequence: missense variant.
Genome position (GRCh38, 1-based): chr12:132,661,004, C>G on the plus strand (G>C on the coding strand, the complement: POLE is on the minus strand). VCF-style: chr12-132661004-C-G. GRCh37 (hg19) VCF-style: chr12-133237590-C-G.
Other names: short protein forms V1009L.
Identifiers: ClinVar variation 4141149 (VCV004141149.1).
Genomic context (GRCh38, chr12:132,661,004, plus strand): 5'-GTGAGGGTGGAGGGTAGGCCTTTACCTTGCTGTACAGCACGTCCAGCCAGTAGTCAGCCA[C>G]CTTGGCTACAGAGCCATACACCTCTTCCAGCGTGCTGCCCTTGAGGAAGGCCTCAAACAC-3'
Protein context (NP_006222.2, residues 999-1019): LEEVYGSVAK[Val1009Leu]ADYWLDVLYS

ClinVar aggregate classification (germline): Uncertain significance (1 of 4 stars; one submission).

Conditions:
Hereditary cancer-predisposing syndrome. Also called: Hereditary neoplastic syndrome; Neoplastic Syndromes, Hereditary; Tumor predisposition; Hereditary Cancer Syndrome. Identifiers: Orphanet 140162, MedGen C0027672, MeSH D009386, MONDO:0015356.

Submission:

Ambry Genetics
Classification: Uncertain significance for Hereditary cancer-predisposing syndrome. Last evaluated: 2025-07-05. Review status: criteria provided, single submitter. Criteria: Ambry Variant Classification Scheme 2023. Collection method: clinical testing. Allele origin: germline.
Comment: The p.V1009L variant (also known as c.3025G>C), located in coding exon 25 of the POLE gene, results from a G to C substitution at nucleotide position 3025. The valine at codon 1009 is replaced by leucine, an amino acid with highly similar properties. This amino acid position is conserved. In addition, the in silico prediction for this alteration is inconclusive. Based on the available evidence, the clinical significance of this variant remains unclear.